The following is an entry in ClinVar:

NC_000003.11:g.(?_15643358)_(15687154_?)dup

Gene: BTD (biotinidase; plus strand). Cytogenetic location: 3p25.1.
Variant type: Duplication.
Identifiers: ClinVar variation 2422280 (VCV002422280.5).

ClinVar aggregate classification (germline): Uncertain significance (1 of 4 stars; one submission).

Conditions:
Biotinidase deficiency. Also called: BTD deficiency; Late-onset biotin-responsive multiple carboxylase deficiency; Biotin deficiency. Identifiers: Orphanet 79241, MedGen C0220754, MONDO:0009665, OMIM 253260.

Submission:

Labcorp Genetics (formerly Invitae), Labcorp
Classification: Uncertain significance for Biotinidase deficiency. Last evaluated: 2024-01-19. Review status: criteria provided, single submitter. Criteria: Invitae Variant Classification Sherloc (09022015). Collection method: clinical testing. Allele origin: germline.
Comment: A copy number gain of the genomic region encompassing the full coding sequence of the BTD gene has been identified. The boundaries of this event are unknown as they extend beyond the assayed region for this gene and therefore may encompass additional genes. As the precise location of this event is unknown, it may be in tandem or it may be located elsewhere in the genome. This variant has not been reported in the literature in individuals affected with BTD-related conditions. In summary, the available evidence is currently insufficient to determine the role of this variant in disease. Therefore, it has been classified as a Variant of Uncertain Significance.